The following is an entry in ClinVar:

ClinVar aggregate classification (germline): Likely benign (1 of 4 stars; one submission).

Conditions:
Familial cancer of breast. Also called: BREAST CANCER, FAMILIAL; Hereditary breast cancer; hereditary breast carcinoma. Identifiers: Orphanet 227535, MedGen C0346153, MONDO:0016419, OMIM 114480. Disease mechanism: loss of function.

Submission:

Myriad Genetics, Inc.
Classification: Likely benign for Familial cancer of breast. Last evaluated: 2024-04-30. Review status: criteria provided, single submitter. Criteria: Myriad Autosomal Dominant, Autosomal Recessive and X-Linked Classification Criteria (2023). Collection method: clinical testing. Allele origin: unknown.
Comment: This variant is considered likely benign. This variant is intronic and is not expected to impact mRNA splicing.

NM_000051.4(ATM):c.1607+8_1607+23delinsT

Gene: ATM (ATM serine/threonine kinase; plus strand). Cytogenetic location: 11q22.3.
Variant type: Indel.
Coding change: c.1607+8_1607+23delinsT on transcript NM_000051.4 (MANE Select); bases 8 to 23 of the intron after coding-DNA position 1607, CAGCATGCATTATGTC replaced by T.
Molecular consequence: intron variant.
Genome position (GRCh38, 1-based): chr11:108,251,080-108,251,095, CAGCATGCATTATGTC replaced by T. VCF-style: chr11-108251080-CAGCATGCATTATGTC-T. GRCh37 (hg19) VCF-style: chr11-108121807-CAGCATGCATTATGTC-T.
Other names: c.1607+8_1607+23delinsT (NM_001351834.2).
Identifiers: ClinVar variation 3254169 (VCV003254169.1), dbSNP rs2497254674.
Genomic context (GRCh38, chr11:108,251,080, plus strand): 5'-GTTGACAGAGAATTCTGGAAGTTATTTACTGGGTCAGCCTGCAGACCTTCATGGTAAGTT[CAGCATGCATTATGTC>T]TGACTTACAGATAAACACACACAGACACACACACACTCACATATCCCTGATCATTTTCAT-3'